The following is an entry in ClinVar:

ClinVar aggregate classification (germline): Benign. Review status: criteria provided, multiple submitters, no conflicts (2 of 4 stars). 4 submissions from 2 submitters: Benign (4). Last evaluated 2018-01-13.

Conditions:
Familial multiple trichoepitheliomata. Also called: Familial multiple trichoepithelioma. Identifiers: Orphanet 79493, Orphanet 867, MedGen C1275122, MONDO:0011114.
Brooke-Spiegler syndrome. Also called: CYLD Cutaneous Syndrome. Identifiers: Orphanet 79493, MedGen C1857941, MONDO:0011512, OMIM 605041.
Familial cylindromatosis. Also called: Turban tumor syndrome; ANCELL-SPIEGLER CYLINDROMAS. Identifiers: Orphanet 211, Orphanet 79493, MedGen C1851526, MONDO:0007565, OMIM 132700.

Allele frequency attached by ClinVar (database versions not stated): 1000 Genomes Project 0.00459; 1000 Genomes Project 30x 0.00468; TOPMed 0.00676; gnomAD 0.00710 and 0.00713; gnomAD exomes 0.00847.
gnomAD v4.1: 1,751 of 233,420 alleles (0.75%); highest among the groups gnomAD compares: Non-Finnish European, 1.2%; 11 homozygotes.

Submissions (4):

Illumina Laboratory Services, Illumina
Classification: Benign for Trichoepithelioma, multiple familial, 1. Last evaluated: 2018-01-13. Review status: criteria provided, single submitter. Criteria: ICSL Variant Classification Criteria 13 December 2019. Collection method: clinical testing. Allele origin: germline.
Comment: This variant was observed in the ICSL laboratory as part of a predisposition screen in an ostensibly healthy population. It had not been previously curated by ICSL or reported in the Human Gene Mutation Database (HGMD: prior to June 1st, 2018), and was therefore a candidate for classification through an automated scoring system. Utilizing variant allele frequency, disease prevalence and penetrance estimates, and inheritance mode, an automated score was calculated to assess if this variant is too frequent to cause the disease. Based on the score and internal cut-off values, a variant classified as benign is not then subjected to further curation. The score for this variant resulted in a classification of benign for this disease.

Illumina Laboratory Services, Illumina
Classification: Benign for Familial cylindromatosis. Last evaluated: 2018-01-13. Review status: criteria provided, single submitter. Criteria: ICSL Variant Classification Criteria 13 December 2019. Collection method: clinical testing. Allele origin: germline.
Comment: the same text as in the submission from Illumina Laboratory Services, Illumina above.

Illumina Laboratory Services, Illumina
Classification: Benign for Brooke-Spiegler syndrome. Last evaluated: 2018-01-13. Review status: criteria provided, single submitter. Criteria: ICSL Variant Classification Criteria 13 December 2019. Collection method: clinical testing. Allele origin: germline.
Comment: the same text as in the submission from Illumina Laboratory Services, Illumina above.

Breakthrough Genomics
Classification: Benign. Review status: criteria provided, single submitter. Criteria: ACMG Guidelines, 2015. Collection method: not provided. Allele origin: germline. Inheritance: Autosomal dominant inheritance. Affected: yes.

NM_001378743.1(CYLD):c.*2335T>C

Genes: CYLD (CYLD lysine 63 deubiquitinase; plus strand), CYLD-AS2 (CYLD antisense RNA 2; minus strand). Cytogenetic location: 16q12.1.
Variant type: single nucleotide variant.
Coding change: c.*2335T>C on transcript NM_001378743.1 (MANE Select); 2335 bases downstream of the stop codon, T replaced by C.
Molecular consequence: 3 prime UTR variant. On other transcripts: non-coding transcript variant (1).
Genome position (GRCh38, 1-based): chr16:50,798,843, T>C. VCF-style: chr16-50798843-T-C. GRCh37 (hg19) VCF-style: chr16-50832754-T-C.
Other names: c.*2335T>C (NM_001042355.2, NM_001042412.3, NM_001378744.1 and 12 more transcripts).
Identifiers: ClinVar variation 319537 (VCV000319537.6), dbSNP rs9646285, ClinGen allele CA10648516.
Genomic context (GRCh38, chr16:50,798,843, plus strand): 5'-GGAGGGCCTCATCCATAAATGATTTCTGGCAACGTCTTCTTCAGGTGGAGCTTGACGTCT[T>C]TTTAATGTTACTTGGGGAGGGAGTGCTCATTAAGGGATGCCAGGGCCAGCTCTGGTGGTT-3'